The following is an entry in ClinVar:

ClinVar aggregate classification (germline): Uncertain significance. Review status: criteria provided, multiple submitters, no conflicts (2 of 4 stars). 2 submissions from 2 submitters: Uncertain significance (2). Last evaluated 2024-10-30.

Conditions:
Familial thoracic aortic aneurysm and aortic dissection (TAAD). Also called: Thoracic aortic aneurysms and dissections. Identifiers: Orphanet 91387, MedGen C4707243, MONDO:0019625.
Aortic aneurysm, familial thoracic 4 (AAT4). Also called: AORTIC ANEURYSM/AORTIC DISSECTION AND PATENT DUCTUS ARTERIOSUS. Identifiers: MedGen C1851504, MONDO:0007568, OMIM 132900.

gnomAD v4.1: 2 of 1,613,120 alleles (0.00012%); highest among the groups gnomAD compares: Non-Finnish European, 0.00017%; no homozygotes.

Submissions (2):

Labcorp Genetics (formerly Invitae), Labcorp
Classification: Uncertain significance for Aortic aneurysm, familial thoracic 4. Last evaluated: 2024-10-30. Review status: criteria provided, single submitter. Criteria: Invitae Variant Classification Sherloc (09022015). Collection method: clinical testing. Allele origin: germline.
Comment: This sequence change replaces alanine, which is neutral and non-polar, with threonine, which is neutral and polar, at codon 913 of the MYH11 protein (p.Ala913Thr). This variant is not present in population databases (gnomAD no frequency). This variant has not been reported in the literature in individuals affected with MYH11-related conditions. Invitae Evidence Modeling of protein sequence and biophysical properties (such as structural, functional, and spatial information, amino acid conservation, physicochemical variation, residue mobility, and thermodynamic stability) indicates that this missense variant is not expected to disrupt MYH11 protein function with a negative predictive value of 95%. In summary, the available evidence is currently insufficient to determine the role of this variant in disease. Therefore, it has been classified as a Variant of Uncertain Significance.

All of Us Research Program, National Institutes of Health
Classification: Uncertain significance for Familial thoracic aortic aneurysm and aortic dissection. Last evaluated: 2024-05-14. Review status: criteria provided, single submitter. Criteria: ACMG Guidelines, 2015. Collection method: clinical testing. Allele origin: germline. Inheritance: Autosomal dominant inheritance. Observed: 1 variant allele, 1 heterozygote.
Comment: This missense variant replaces alanine with threonine at codon 913 of the MYH11 protein. Computational prediction suggests that this variant may have deleterious impact on protein structure and function (internally defined REVEL score threshold >= 0.7, PMID: 27666373). To our knowledge, functional studies have not been reported for this variant. This variant has not been reported in individuals affected with MYH11-related disorders in the literature. This variant has not been identified in the general population by the Genome Aggregation Database (gnomAD). The available evidence is insufficient to determine the role of this variant in disease conclusively. Therefore, this variant is classified as a Variant of Uncertain Significance.

This study involves interpretation of variants in research participants for the purpose of population health screening. Participant phenotype was not available at the time of variant classification. Additional details can be found in publication PMID: 35346344, PMCID: PMC8962531

NM_002474.3(MYH11):c.2716G>A (p.Ala906Thr)

Gene: MYH11 (myosin heavy chain 11; minus strand). Cytogenetic location: 16p13.11.
Variant type: single nucleotide variant.
Coding change: c.2716G>A on transcript NM_002474.3 (MANE Select); coding-DNA position 2716, G replaced by A.
Protein change: p.Ala906Thr; replaces alanine 906 with threonine.
Molecular consequence: missense variant.
Genome position (GRCh38, 1-based): chr16:15,741,606, C>T on the plus strand (G>A on the coding strand, the complement: MYH11 is on the minus strand). VCF-style: chr16-15741606-C-T. GRCh37 (hg19) VCF-style: chr16-15835463-C-T.
Other names: c.2737G>A, p.Ala913Thr (NM_001040113.2, NM_001040114.2); c.2716G>A, p.Ala906Thr (NM_022844.3); short protein forms A906T, A913T.
Identifiers: ClinVar variation 3387212 (VCV003387212.3).